The following is an entry in ClinVar:

NM_001244008.2(KIF1A):c.1498-255G>A

Gene: KIF1A (kinesin family member 1A; minus strand). Cytogenetic location: 2q37.3.
Variant type: single nucleotide variant.
Coding change: c.1498-255G>A on transcript NM_001244008.2 (MANE Select); 255 bases into the intron before coding-DNA position 1498, G replaced by A.
Molecular consequence: intron variant.
Genome position (GRCh38, 1-based): chr2:240,767,600, C>T on the plus strand (G>A on the coding strand, the complement: KIF1A is on the minus strand). VCF-style: chr2-240767600-C-T. GRCh37 (hg19) VCF-style: chr2-241707017-C-T.
Other names: c.1471-255G>A (NM_001379653.1, NM_001379650.1, NM_001379645.1 and 10 more transcripts); c.1573-255G>A (NM_001379635.1, NM_001330290.2, NM_001379646.1 and 2 more transcripts); c.1546-255G>A (NM_001379637.1, NM_001379648.1); c.1498-255G>A (NM_001320705.2, NM_001379638.1, NM_001330289.2).
Identifiers: ClinVar variation 673455 (VCV000673455.1), dbSNP rs74002918, ClinGen allele CA68174775.

ClinVar aggregate classification (germline): Benign (1 of 4 stars; one submission).

Allele frequency attached by ClinVar (database versions not stated): gnomAD 0.05163 and 0.05338; TOPMed 0.05859; 1000 Genomes Project 0.06510; 1000 Genomes Project 30x 0.06715.
gnomAD v4.1: 7,843 of 152,372 alleles (5.1%); highest among the groups gnomAD compares: African/African-American, 13%; 439 homozygotes.

Submission:

GeneDx
Classification: Benign. Last evaluated: 2018-06-16. Review status: criteria provided, single submitter. Criteria: GeneDx Variant Classification (06012015). Collection method: clinical testing. Allele origin: germline. Affected: yes.
Comment: This variant is considered likely benign or benign based on one or more of the following criteria: it is a conservative change, it occurs at a poorly conserved position in the protein, it is predicted to be benign by multiple in silico algorithms, and/or has population frequency not consistent with disease.